The following is an entry in ClinVar:

NM_006509.4(RELB):c.742G>C (p.Asp248His)

Gene: RELB (RELB proto-oncogene, NF-kB subunit; plus strand). Cytogenetic location: 19q13.32.
Variant type: single nucleotide variant.
Coding change: c.742G>C on transcript NM_006509.4 (MANE Select); coding-DNA position 742, G replaced by C.
Protein change: p.Asp248His; replaces aspartic acid 248 with histidine.
Molecular consequence: missense variant.
Genome position (GRCh38, 1-based): chr19:45,025,408, G>C. VCF-style: chr19-45025408-G-C. GRCh37 (hg19) VCF-style: chr19-45528666-G-C.
Other names: c.733G>C, p.Asp245His (NM_001411087.1); short protein forms D245H, D248H.
Identifiers: ClinVar variation 3347147 (VCV003347147.1).
Genomic context (GRCh38, chr19:45,025,408, plus strand): 5'-CAGTGTGTGAGGAAGAAGGAGATTGAGGCTGCCATTGAGCGGAAGATTCAACTGGGCATT[G>C]ACCCCTACAACGGTGAGCACCCCCTGCCTGACCTGACCATCCCGTCCTCCCAAACCCCTT-3'
Protein context (NP_006500.2, residues 238-258): AIERKIQLGI[Asp248His]PYNAGSLKNH

ClinVar aggregate classification (germline): Uncertain significance (0 of 4 stars; one submission).

Conditions:
RELB-related disorder. Also called: RELB-related condition.

gnomAD v4.1: 2 of 1,611,820 alleles (0.00012%); highest among the groups gnomAD compares: Non-Finnish European, 0.00017%; no homozygotes.

Submission:

PreventionGenetics, part of Exact Sciences
Classification: Uncertain significance for RELB-related condition. Last evaluated: 2024-04-18. Review status: no assertion criteria provided. Collection method: clinical testing. Allele origin: germline.
Comment: The RELB c.742G>C variant is predicted to result in the amino acid substitution p.Asp248His. To our knowledge, this variant has not been reported in the literature or in a large population database, indicating this variant is rare. At this time, the clinical significance of this variant is uncertain due to the absence of conclusive functional and genetic evidence.